The following is an entry in ClinVar:

ClinVar aggregate classification (germline): Uncertain significance (1 of 4 stars; one submission).

Conditions:
Charcot-Marie-Tooth disease axonal type 2C (HMSN2C). Also called: CHARCOT-MARIE-TOOTH DISEASE, AXONAL, AUTOSOMAL DOMINANT, TYPE 2C; Charcot-Marie-Tooth Neuropathy Type 2C; Charcot-Marie-Tooth Disease Type 2, TRPV4-Related (CMT2C). Identifiers: Orphanet 99937, MedGen C1853710, MONDO:0011633, OMIM 606071.

Allele frequency attached by ClinVar (database versions not stated): gnomAD exomes below 0.00001; TOPMed 0.00002; gnomAD 0.00003; ESP Exome Variant Server 0.00008.
gnomAD v4.1: 7 of 1,613,692 alleles (0.00043%); highest among the groups gnomAD compares: African/African-American, 0.0067%; no homozygotes.

Submission:

Labcorp Genetics (formerly Invitae), Labcorp
Classification: Uncertain significance for Charcot-Marie-Tooth disease axonal type 2C. Last evaluated: 2022-08-16. Review status: criteria provided, single submitter. Criteria: Invitae Variant Classification Sherloc (09022015). Collection method: clinical testing. Allele origin: germline.
Comment: This variant is present in population databases (rs145184680, gnomAD 0.003%). This sequence change replaces serine, which is neutral and polar, with isoleucine, which is neutral and non-polar, at codon 847 of the TRPV4 protein (p.Ser847Ile). ClinVar contains an entry for this variant (Variation ID: 1503503). This variant has not been reported in the literature in individuals affected with TRPV4-related conditions. In summary, the available evidence is currently insufficient to determine the role of this variant in disease. Therefore, it has been classified as a Variant of Uncertain Significance. Advanced modeling of protein sequence and biophysical properties (such as structural, functional, and spatial information, amino acid conservation, physicochemical variation, residue mobility, and thermodynamic stability) performed at Invitae indicates that this missense variant is not expected to disrupt TRPV4 protein function.

NM_021625.5(TRPV4):c.2540G>T (p.Ser847Ile)

Gene: TRPV4 (transient receptor potential cation channel subfamily V member 4; minus strand). Cytogenetic location: 12q24.11.
Variant type: single nucleotide variant.
Coding change: c.2540G>T on transcript NM_021625.5 (MANE Select); coding-DNA position 2540, G replaced by T.
Protein change: p.Ser847Ile; replaces serine 847 with isoleucine.
Molecular consequence: missense variant.
Genome position (GRCh38, 1-based): chr12:109,783,697, C>A on the plus strand (G>T on the coding strand, the complement: TRPV4 is on the minus strand). VCF-style: chr12-109783697-C-A. GRCh37 (hg19) VCF-style: chr12-110221502-C-A.
Other names: c.2399G>T, p.Ser800Ile (NM_001177428.2); c.2438G>T, p.Ser813Ile (NM_001177431.2); c.2219G>T, p.Ser740Ile (NM_001177433.2); c.2360G>T, p.Ser787Ile (NM_147204.3); short protein forms S740I, S800I, S847I, S787I, S813I.
Identifiers: ClinVar variation 1503503 (VCV001503503.8), dbSNP rs145184680, ClinGen allele CA243494073.